The following is an entry in ClinVar:

NM_177438.3(DICER1):c.*3473T>C

Gene: DICER1 (dicer 1, ribonuclease III; minus strand). Cytogenetic location: 14q32.13.
Variant type: single nucleotide variant.
Coding change: c.*3473T>C on transcript NM_177438.3 (MANE Select); 3473 bases downstream of the stop codon, T replaced by C.
Molecular consequence: 3 prime UTR variant.
Genome position (GRCh38, 1-based): chr14:95,087,025, A>G on the plus strand (T>C on the coding strand, the complement: DICER1 is on the minus strand). VCF-style: chr14-95087025-A-G. GRCh37 (hg19) VCF-style: chr14-95553362-A-G.
Other names: c.*3589T>C (NM_001195573.1); c.*3473T>C (NM_001271282.3, NM_001291628.2, NM_030621.4).
Identifiers: ClinVar variation 315050 (VCV000315050.7), dbSNP rs3742330, ClinGen allele CA10645421.

ClinVar aggregate classification (germline): Benign. Review status: criteria provided, multiple submitters, no conflicts (2 of 4 stars). 2 submissions from 2 submitters: Benign (2). Last evaluated 2018-01-12.

Conditions:
DICER1-related tumor predisposition. Also called: DICER1-related pleuropulmonary blastoma cancer predisposition syndrome; DICER1 syndrome. Identifiers: Orphanet 284343, MedGen C3839822, MONDO:0100216.

Allele frequency attached by ClinVar (database versions not stated): gnomAD 0.08594 and 0.09263; TOPMed 0.09000; 1000 Genomes Project 30x 0.12945; 1000 Genomes Project 0.13818; gnomAD exomes 0.14373.
gnomAD v4.1: 25,348 of 233,008 alleles (11%); highest among the groups gnomAD compares: East Asian, 43%; 2,490 homozygotes.

Submissions (2):

Illumina Laboratory Services, Illumina
Classification: Benign for Pleuropulmonary blastoma. Last evaluated: 2018-01-12. Review status: criteria provided, single submitter. Criteria: ICSL Variant Classification Criteria 13 December 2019. Collection method: clinical testing. Allele origin: germline.
Comment: This variant was observed in the ICSL laboratory as part of a predisposition screen in an ostensibly healthy population. It had not been previously curated by ICSL or reported in the Human Gene Mutation Database (HGMD: prior to June 1st, 2018), and was therefore a candidate for classification through an automated scoring system. Utilizing variant allele frequency, disease prevalence and penetrance estimates, and inheritance mode, an automated score was calculated to assess if this variant is too frequent to cause the disease. Based on the score and internal cut-off values, a variant classified as benign is not then subjected to further curation. The score for this variant resulted in a classification of benign for this disease.

Breakthrough Genomics
Classification: Benign. Review status: criteria provided, single submitter. Criteria: ACMG Guidelines, 2015. Collection method: not provided. Allele origin: germline. Inheritance: Autosomal dominant inheritance. Affected: yes.